The following is an entry in ClinVar:

NM_021930.6(RINT1):c.419C>T (p.Pro140Leu)

Gene: RINT1 (RAD50 interactor 1; plus strand). Cytogenetic location: 7q22.3.
Variant type: single nucleotide variant.
Coding change: c.419C>T on transcript NM_021930.6 (MANE Select); coding-DNA position 419, C replaced by T.
Protein change: p.Pro140Leu; replaces proline 140 with leucine.
Molecular consequence: missense variant. On other transcripts: 5 prime UTR variant (3), non-coding transcript variant (1).
Genome position (GRCh38, 1-based): chr7:105,542,553, C>T. VCF-style: chr7-105542553-C-T. GRCh37 (hg19) VCF-style: chr7-105183000-C-T.
Other names: c.185C>T, p.Pro62Leu (NM_001346599.2); c.-601C>T (NM_001346600.2); c.-504C>T (NM_001346601.2); c.-124C>T (NM_001346603.2); short protein forms P140L, P62L.
Identifiers: ClinVar variation 2561618 (VCV002561618.6), dbSNP rs2133373644, ClinGen allele CA368803545.

ClinVar aggregate classification (germline): Uncertain significance. Review status: criteria provided, multiple submitters, no conflicts (2 of 4 stars). 2 submissions from 2 submitters: Uncertain significance (2). Last evaluated 2025-12-04.

Submissions (2):

Ambry Genetics
Classification: Uncertain significance. Last evaluated: 2025-12-04. Review status: criteria provided, single submitter. Criteria: Ambry Variant Classification Scheme 2023. Collection method: clinical testing. Allele origin: germline.
Comment: The p.P140L variant (also known as c.419C>T), located in coding exon 4 of the RINT1 gene, results from a C to T substitution at nucleotide position 419. The proline at codon 140 is replaced by leucine, an amino acid with similar properties. This amino acid position is conserved. In addition, this alteration is predicted to be tolerated by in silico analysis. Since supporting evidence is limited at this time, the clinical significance of this alteration remains unclear.

Labcorp Genetics (formerly Invitae), Labcorp
Classification: Uncertain significance. Last evaluated: 2023-09-26. Review status: criteria provided, single submitter. Criteria: Invitae Variant Classification Sherloc (09022015). Collection method: clinical testing. Allele origin: germline.
Comment: In summary, the available evidence is currently insufficient to determine the role of this variant in disease. Therefore, it has been classified as a Variant of Uncertain Significance. An algorithm developed to predict the effect of missense changes on protein structure and function (PolyPhen-2) suggests that this variant is likely to be disruptive. ClinVar contains an entry for this variant (Variation ID: 2561618). This variant has not been reported in the literature in individuals affected with RINT1-related conditions. This variant is not present in population databases (gnomAD no frequency). This sequence change replaces proline, which is neutral and non-polar, with leucine, which is neutral and non-polar, at codon 140 of the RINT1 protein (p.Pro140Leu).